The following is an entry in ClinVar:

NM_000059.4(BRCA2):c.6938-634dup

Gene: BRCA2 (BRCA2 DNA repair associated; plus strand). Cytogenetic location: 13q13.1.
Variant type: Duplication.
Coding change: c.6938-634dup on transcript NM_000059.4 (MANE Select); 634 bases into the intron before coding-DNA position 6938, one base duplicated (T; older notation c.6938-634dupT).
Molecular consequence: intron variant.
Genome position (GRCh38, 1-based): chr13:32,346,193, T duplicated; the last of 9 consecutive T bases (chr13:32,346,185-32,346,193); duplicating any one gives the same sequence. VCF-style (leftmost placement, unchanged base first): chr13-32346184-G-GT. GRCh37 (hg19) VCF-style: chr13-32920321-G-GT.
Other names: IVS 12-643insT; c.6938-643_6938-642insT (NM_000059.3).
Identifiers: ClinVar variation 209711 (VCV000209711.1), dbSNP rs199876527, ClinGen allele CA276679.

ClinVar aggregate classification (germline): Benign (3 of 4 stars; one submission).

Conditions:
Breast-ovarian cancer, familial, susceptibility to, 2 (BROVCA2). Also called: BRCA2 Hereditary Breast and Ovarian Cancer. Identifiers: Orphanet 145, MedGen C2675520, MONDO:0012933, OMIM 612555. Disease mechanism: loss of function.

Submission:

Evidence-based Network for the Interpretation of Germline Mutant Alleles (ENIGMA)
Classification: Benign for Breast-ovarian cancer, familial 2. Last evaluated: 2015-01-12. Review status: reviewed by expert panel. Criteria: ENIGMA BRCA1/2 Classification Criteria (2015). Collection method: curation. Allele origin: germline.
Comment: Class 1 not pathogenic based on frequency >1% in an outbred sampleset. Frequency 0.04 (African), 0.02 (European), derived from 1000 genomes (2012-04-30).